The following is an entry in ClinVar:

NM_206933.4(USH2A):c.805A>T (p.Arg269Ter)

Gene: USH2A (usherin; minus strand). Cytogenetic location: 1q41.
Variant type: single nucleotide variant.
Coding change: c.805A>T on transcript NM_206933.4 (MANE Select); coding-DNA position 805, A replaced by T.
Protein change: p.Arg269Ter; replaces arginine 269 with a stop codon.
Molecular consequence: nonsense.
Genome position (GRCh38, 1-based): chr1:216,327,634, T>A on the plus strand (A>T on the coding strand, the complement: USH2A is on the minus strand). VCF-style: chr1-216327634-T-A. GRCh37 (hg19) VCF-style: chr1-216500976-T-A.
Other names: c.805A>T, p.Arg269Ter (NM_007123.6); short protein forms R269*.
Identifiers: ClinVar variation 2748991 (VCV002748991.3), dbSNP rs2527445542, ClinGen allele CA344912893.
Genomic context (GRCh38, chr1:216,327,634, plus strand): 5'-ATGCAACATCTGCTTACCTGTTTGTAAGTGCCACTTGGTATAATCGAAAATCTTGCATTC[T>A]TCCGACAAACTGCTCTAAACCTGCAAATACACACATGTGCATAATATAAGAAGTCTCTGT-3'

ClinVar aggregate classification (germline): Pathogenic (1 of 4 stars; one submission).

Submission:

Labcorp Genetics (formerly Invitae), Labcorp
Classification: Pathogenic. Last evaluated: 2023-08-01. Review status: criteria provided, single submitter. Criteria: Invitae Variant Classification Sherloc (09022015). Collection method: clinical testing. Allele origin: germline.
Comment: For these reasons, this variant has been classified as Pathogenic. This sequence change creates a premature translational stop signal (p.Arg269*) in the USH2A gene. It is expected to result in an absent or disrupted protein product. Loss-of-function variants in USH2A are known to be pathogenic (PMID: 10729113, 10909849, 20507924, 25649381). This variant is not present in population databases (gnomAD no frequency). This variant has not been reported in the literature in individuals affected with USH2A-related conditions.

Literature cited by the submitters: PubMed 10729113; PubMed 10909849; PubMed 20507924; PubMed 25649381.